The following is an entry in ClinVar:

ClinVar aggregate classification (germline): Conflicting classifications of pathogenicity. Review status: criteria provided, conflicting classifications (1 of 4 stars). 2 submissions from 2 submitters: Uncertain significance (1); Likely benign (1). Last evaluated 2025-12-23.

Conditions:
CACNA1I-related disorder. Also called: CACNA1I-related condition.

gnomAD v4.1: 210 of 1,613,446 alleles (0.013%); highest among the groups gnomAD compares: Non-Finnish European, 0.017%; no homozygotes.

Submissions (2):

PreventionGenetics, part of Exact Sciences
Classification: Likely benign for CACNA1I-related condition. Last evaluated: 2025-12-23. Review status: criteria provided, single submitter. Criteria: ACMG Guidelines, 2015. Collection method: clinical testing. Allele origin: germline.
Comment: This variant is classified as likely benign based on ACMG/AMP sequence variant interpretation guidelines (Richards et al. 2015 PMID: 25741868, with internal and published modifications).

Ambry Genetics
Classification: Uncertain significance. Last evaluated: 2025-10-02. Review status: criteria provided, single submitter. Criteria: Ambry Variant Classification Scheme 2023. Collection method: clinical testing. Allele origin: germline.

NM_021096.4(CACNA1I):c.5960A>C (p.Lys1987Thr)

Gene: CACNA1I (calcium voltage-gated channel subunit alpha1 I; plus strand). Cytogenetic location: 22q13.1.
Variant type: single nucleotide variant.
Coding change: c.5960A>C on transcript NM_021096.4 (MANE Select); coding-DNA position 5960, A replaced by C.
Protein change: p.Lys1987Thr; replaces lysine 1987 with threonine.
Molecular consequence: missense variant.
Genome position (GRCh38, 1-based): chr22:39,684,431, A>C. VCF-style: chr22-39684431-A-C. GRCh37 (hg19) VCF-style: chr22-40080436-A-C.
Other names: c.5855A>C, p.Lys1952Thr (NM_001003406.2); short protein forms K1952T, K1987T.
Identifiers: ClinVar variation 4647546 (VCV004647546.2).